The following is an entry in ClinVar:

ClinVar aggregate classification (germline): Uncertain significance (1 of 4 stars; one submission).

Conditions:
Fanconi anemia (FA). Also called: Fanconi's anemia. Identifiers: Orphanet 84, MedGen C0015625, MeSH D005199, MONDO:0019391.

Submission:

Labcorp Genetics (formerly Invitae), Labcorp
Classification: Uncertain significance for Fanconi anemia. Last evaluated: 2021-04-23. Review status: criteria provided, single submitter. Criteria: Invitae Variant Classification Sherloc (09022015). Collection method: clinical testing. Allele origin: germline.
Comment: Algorithms developed to predict the effect of missense changes on protein structure and function are either unavailable or do not agree on the potential impact of this missense change (SIFT: "Deleterious"; PolyPhen-2: "Probably Damaging"; Align-GVGD: "Class C0"). In summary, the available evidence is currently insufficient to determine the role of this variant in disease. Therefore, it has been classified as a Variant of Uncertain Significance. This variant has not been reported in the literature in individuals with FANCC-related conditions. This variant is not present in population databases (ExAC no frequency). This sequence change replaces aspartic acid with tyrosine at codon 144 of the FANCC protein (p.Asp144Tyr). The aspartic acid residue is highly conserved and there is a large physicochemical difference between aspartic acid and tyrosine.

NM_000136.3(FANCC):c.430G>T (p.Asp144Tyr)

Gene: FANCC (FA complementation group C; minus strand). Cytogenetic location: 9q22.32.
Variant type: single nucleotide variant.
Coding change: c.430G>T on transcript NM_000136.3 (MANE Select); coding-DNA position 430, G replaced by T.
Protein change: p.Asp144Tyr; replaces aspartic acid 144 with tyrosine.
Molecular consequence: missense variant.
Genome position (GRCh38, 1-based): chr9:95,172,063, C>A on the plus strand (G>T on the coding strand, the complement: FANCC is on the minus strand). VCF-style: chr9-95172063-C-A. GRCh37 (hg19) VCF-style: chr9-97934345-C-A.
Other names: c.430G>T, p.Asp144Tyr (NM_001243743.2, NM_001243744.2); short protein forms D144Y.
Identifiers: ClinVar variation 1362659 (VCV001362659.8), dbSNP rs2135587786, ClinGen allele CA374338749.
Genomic context (GRCh38, chr9:95,172,063, plus strand): 5'-AACATTTCAAAAGTGATAAATTTTAAATACTCACATTTTTAAGCAAACCAGGATAGTAAT[C>A]TATAGGTGCATACCCAAGACCTTGAGTGAAAAGAGCAACTTCTTTATCAAATCTGAGTGC-3'
Protein context (NP_000127.2, residues 134-154): FTQGLGYAPI[Asp144Tyr]YYPGLLKNMV